The following is an entry in ClinVar:

ClinVar aggregate classification (germline): Uncertain significance (1 of 4 stars; one submission).

Conditions:
Brugada syndrome. Also called: Sudden unexpected nocturnal death syndrome; Sudden unexplained nocturnal death syndrome; Sudden Unexplained Death Syndrome; Sudden Unexplained Nocturnal Death Syndrome (SUNDS). Identifiers: Orphanet 130, MedGen C1142166, MONDO:0015263.

Submission:

Labcorp Genetics (formerly Invitae), Labcorp
Classification: Uncertain significance for Brugada syndrome. Last evaluated: 2025-10-16. Review status: criteria provided, single submitter. Criteria: Invitae Variant Classification Sherloc (09022015). Collection method: clinical testing. Allele origin: germline.
Comment: This sequence change falls in intron 2 of the KCNJ8 gene. It does not directly change the encoded amino acid sequence of the KCNJ8 protein. This variant is not present in population databases (gnomAD no frequency). This variant has not been reported in the literature in individuals affected with KCNJ8-related conditions. Algorithms developed to predict the effect of sequence changes on RNA splicing suggest that this variant may disrupt the consensus splice site. In summary, the available evidence is currently insufficient to determine the role of this variant in disease. Therefore, it has been classified as a Variant of Uncertain Significance.

NM_004982.4(KCNJ8):c.375-8C>A

Genes: KCNJ8 (potassium inwardly rectifying channel subfamily J member 8; minus strand), KCNJ8-AS1 (KCNJ8 antisense RNA 1; plus strand). Cytogenetic location: 12p12.1.
Variant type: single nucleotide variant.
Coding change: c.375-8C>A on transcript NM_004982.4 (MANE Select); 8 bases into the intron before coding-DNA position 375, C replaced by A.
Molecular consequence: intron variant.
Genome position (GRCh38, 1-based): chr12:21,766,631, G>T on the plus strand (C>A on the coding strand, the complement: KCNJ8 is on the minus strand). VCF-style: chr12-21766631-G-T. GRCh37 (hg19) VCF-style: chr12-21919565-G-T.
Identifiers: ClinVar variation 4752856 (VCV004752856.1).